The following is an entry in ClinVar:

ClinVar aggregate classification (germline): Benign. Review status: criteria provided, multiple submitters, no conflicts (2 of 4 stars). 4 submissions from 4 submitters: Benign (4). Last evaluated 2025-10-03.

Conditions:
Multiple cutaneous and mucosal venous malformations (VMCM). Also called: TEK-Related Multiple Cutaneous and Mucosal Venous Malformations (VMCM). Identifiers: Orphanet 2451, MedGen C1838437, MONDO:0010842, OMIM 600195.

Allele frequency attached by ClinVar (database versions not stated): TOPMed 0.00062; 1000 Genomes Project 30x 0.00375; 1000 Genomes Project 0.00439; gnomAD 0.00076 and 0.00042; gnomAD exomes 0.00152; ExAC 0.00167.
gnomAD v4.1: 1,535 of 1,614,036 alleles (0.095%); highest among the groups gnomAD compares: East Asian, 2.9%; 26 homozygotes.

Submissions (4):

Mayo Clinic Laboratories, Mayo Clinic
Classification: Benign. Last evaluated: 2025-10-03. Review status: criteria provided, single submitter. Criteria: ACMG Guidelines, 2015. Collection method: clinical testing. Allele origin: germline. Observed: 1 variant allele.
Comment: BS1, BS2, BP4, BP7

Labcorp Genetics (formerly Invitae), Labcorp
Classification: Benign. Last evaluated: 2025-08-07. Review status: criteria provided, single submitter. Criteria: Invitae Variant Classification Sherloc (09022015). Collection method: clinical testing. Allele origin: germline.

ARUP Laboratories, Molecular Genetics and Genomics, ARUP Laboratories
Classification: Benign. Last evaluated: 2020-04-06. Review status: criteria provided, single submitter. Criteria: ARUP Molecular Germline Variant Investigation Process. Collection method: clinical testing. Allele origin: germline.

Illumina Laboratory Services, Illumina
Classification: Benign for Multiple cutaneous and mucosal venous malformations. Last evaluated: 2018-01-12. Review status: criteria provided, single submitter. Criteria: ICSL Variant Classification Criteria 13 December 2019. Collection method: clinical testing. Allele origin: germline.
Comment: This variant was observed in the ICSL laboratory as part of a predisposition screen in an ostensibly healthy population. It had not been previously curated by ICSL or reported in the Human Gene Mutation Database (HGMD: prior to June 1st, 2018), and was therefore a candidate for classification through an automated scoring system. Utilizing variant allele frequency, disease prevalence and penetrance estimates, and inheritance mode, an automated score was calculated to assess if this variant is too frequent to cause the disease. Based on the score and internal cut-off values, a variant classified as benign is not then subjected to further curation. The score for this variant resulted in a classification of benign for this disease.

NM_000459.5(TEK):c.1869G>A (p.Gly623=)

Gene: TEK (TEK receptor tyrosine kinase; plus strand). Cytogenetic location: 9p21.2.
Variant type: single nucleotide variant.
Coding change: c.1869G>A on transcript NM_000459.5 (MANE Select); coding-DNA position 1869, G replaced by A.
Protein change: p.Gly623=; no amino-acid change (glycine 623 retained).
Molecular consequence: synonymous variant.
Genome position (GRCh38, 1-based): chr9:27,197,559, G>A. VCF-style: chr9-27197559-G-A. GRCh37 (hg19) VCF-style: chr9-27197557-G-A.
Other names: p.Gly623=; c.1740G>A, p.Gly580= (NM_001290077.2, NM_001375476.1); c.1428G>A, p.Gly476= (NM_001290078.2); c.1869G>A, p.Gly623= (NM_001375475.1).
Identifiers: ClinVar variation 366432 (VCV000366432.18), dbSNP rs55979986, ClinGen allele CA5016344.
Genomic context (GRCh38, chr9:27,197,559, plus strand): 5'-CAACTTACATCCCAGGGAGCAGTACGTGGTCCGAGCTAGAGTCAACACCAAGGCCCAGGG[G>A]GAATGGAGTGAAGATCTCACTGCTTGGACCCTTAGTGACAGTAAGTAATTCATGCTGCTC-3'
Protein context (NP_000450.3, residues 613-633): VRARVNTKAQ[Gly623=]EWSEDLTAWT